The following is an entry in ClinVar:

ClinVar aggregate classification (germline): Uncertain significance (1 of 4 stars; one submission).

Conditions:
Hereditary cancer-predisposing syndrome. Also called: Neoplastic Syndromes, Hereditary; Tumor predisposition; Hereditary Cancer Syndrome; Hereditary neoplastic syndrome. Identifiers: Orphanet 140162, MedGen C0027672, MeSH D009386, MONDO:0015356.

gnomAD v4.1: 1 of 1,614,184 alleles (0.000062%); highest among the groups gnomAD compares: Non-Finnish European, 0.000085%; no homozygotes.

Submission:

Ambry Genetics
Classification: Uncertain significance for Hereditary cancer-predisposing syndrome. Last evaluated: 2024-06-21. Review status: criteria provided, single submitter. Criteria: Ambry Variant Classification Scheme 2023. Collection method: clinical testing. Allele origin: germline.
Comment: The p.T1214P variant (also known as c.3640A>C), located in coding exon 20 of the DICER1 gene, results from an A to C substitution at nucleotide position 3640. The threonine at codon 1214 is replaced by proline, an amino acid with highly similar properties. This amino acid position is not well conserved in available vertebrate species. In addition, this alteration is predicted to be tolerated by in silico analysis. Since supporting evidence is limited at this time, the clinical significance of this alteration remains unclear.

NM_177438.3(DICER1):c.3640A>C (p.Thr1214Pro)

Gene: DICER1 (dicer 1, ribonuclease III; minus strand). Cytogenetic location: 14q32.13.
Variant type: single nucleotide variant.
Coding change: c.3640A>C on transcript NM_177438.3 (MANE Select); coding-DNA position 3640, A replaced by C.
Protein change: p.Thr1214Pro; replaces threonine 1214 with proline.
Molecular consequence: missense variant. On other transcripts: non-coding transcript variant (6).
Genome position (GRCh38, 1-based): chr14:95,103,756, T>G on the plus strand (A>C on the coding strand, the complement: DICER1 is on the minus strand). VCF-style: chr14-95103756-T-G. GRCh37 (hg19) VCF-style: chr14-95570093-T-G.
Other names: c.3640A>C, p.Thr1214Pro (NM_001195573.1, NM_001271282.3, NM_001291628.2 and 13 more transcripts); c.3358A>C, p.Thr1120Pro (NM_001395686.1); c.3235A>C, p.Thr1079Pro (NM_001395687.1, NM_001395688.1, NM_001395689.1 and 2 more transcripts); c.3073A>C, p.Thr1025Pro (NM_001395691.1); c.1957A>C, p.Thr653Pro (NM_001395697.1); short protein forms T1025P, T1079P, T1214P, T653P, T1120P.
Identifiers: ClinVar variation 1733512 (VCV001733512.3), dbSNP rs776023608, ClinGen allele CA390874572.
Genomic context (GRCh38, chr14:95,103,756, plus strand): 5'-CATCGCTGGGCTGGGGCTGGTTCTCGTAACTGTATAAATTCTGAATGGAATATGAGGTAG[T>G]TGGTTGCACGGGTATTTCCTGCTTGTAGTAATTTAGCTGATTTCCTTGGCAAAAGTCTCT-3'
Protein context (NP_803187.1, residues 1204-1224): YYKQEIPVQP[Thr1214Pro]TSYSIQNLYS